The following is an entry in ClinVar:

NM_002496.4(NDUFS8):c.601G>T (p.Ala201Ser)

Gene: NDUFS8 (NADH:ubiquinone oxidoreductase core subunit S8; plus strand). Cytogenetic location: 11q13.2.
Variant type: single nucleotide variant.
Coding change: c.601G>T on transcript NM_002496.4 (MANE Select); coding-DNA position 601, G replaced by T.
Protein change: p.Ala201Ser; replaces alanine 201 with serine.
Molecular consequence: missense variant.
Genome position (GRCh38, 1-based): chr11:68,036,561, G>T. VCF-style: chr11-68036561-G-T. GRCh37 (hg19) VCF-style: chr11-67804028-G-T.
Other names: short protein forms A201S.
Identifiers: ClinVar variation 4755811 (VCV004755811.1).

ClinVar aggregate classification (germline): Uncertain significance (1 of 4 stars; one submission).

gnomAD v4.1: 1 of 1,614,006 alleles (0.000062%); highest among the groups gnomAD compares: African/African-American, 0.0013%; no homozygotes.

Submission:

GeneDx
Classification: Uncertain significance. Last evaluated: 2025-08-05. Review status: criteria provided, single submitter. Criteria: GeneDx Variant Classification Process June 2021. Collection method: clinical testing. Allele origin: germline. Affected: yes.
Comment: Not observed at significant frequency in large population cohorts (gnomAD); In silico analysis suggests that this missense variant does not alter protein structure/function; Has not been previously published as pathogenic or benign to our knowledge